The following is an entry in ClinVar:

ClinVar aggregate classification (germline): Uncertain significance. Review status: criteria provided, multiple submitters, no conflicts (2 of 4 stars). 2 submissions from 2 submitters: Uncertain significance (2). Last evaluated 2023-12-01.

Conditions:
Dilated cardiomyopathy 1G (CMD1G). Identifiers: Orphanet 154, MedGen C1858763, MONDO:0011400, OMIM 604145.
Autosomal recessive limb-girdle muscular dystrophy type 2J (LGMDR10). Also called: Limb-girdle muscular dystrophy, type 2J; MUSCULAR DYSTROPHY, LIMB-GIRDLE, AUTOSOMAL RECESSIVE 10. Identifiers: Orphanet 140922, MedGen C1837342, MONDO:0012127, OMIM 608807.

Allele frequency attached by ClinVar (database versions not stated): TOPMed below 0.00001; gnomAD 0.00002; ExAC 0.00008; gnomAD exomes 0.00004 and 0.00006.
gnomAD v4.1: 63 of 1,613,582 alleles (0.0039%); highest among the groups gnomAD compares: Admixed American, 0.005%; no homozygotes.

Submissions (2):

CeGaT Center for Human Genetics Tuebingen
Classification: Uncertain significance. Last evaluated: 2023-12-01. Review status: criteria provided, single submitter. Criteria: CeGaT Center For Human Genetics Tuebingen Variant Classification Criteria Version 2. Collection method: clinical testing. Allele origin: germline. Affected: yes. Observed: 1 variant allele.
Comment: TTN: PM2, PP3

Labcorp Genetics (formerly Invitae), Labcorp
Classification: Uncertain significance for Dilated cardiomyopathy 1G; Autosomal recessive limb-girdle muscular dystrophy type 2J. Last evaluated: 2017-11-27. Review status: criteria provided, single submitter. Criteria: Invitae Variant Classification Sherloc (09022015). Collection method: clinical testing. Allele origin: germline.

NM_001267550.2(TTN):c.36520C>A (p.Pro12174Thr)

Gene: TTN (titin; minus strand). Cytogenetic location: 2q31.2.
Variant type: single nucleotide variant.
Coding change: c.36520C>A on transcript NM_001267550.2 (MANE Select); coding-DNA position 36520, C replaced by A.
Protein change: p.Pro12174Thr; replaces proline 12174 with threonine.
Molecular consequence: missense variant. On other transcripts: intron variant (5).
Genome position (GRCh38, 1-based): chr2:178,663,639, G>T on the plus strand (C>A on the coding strand, the complement: TTN is on the minus strand). VCF-style: chr2-178663639-G-T. GRCh37 (hg19) VCF-style: chr2-179528366-G-T.
Other names: c.13283-21322C>A (NM_003319.4); c.13859-21322C>A (NM_133437.4); c.13658-21322C>A (NM_133432.3); c.31484-584C>A (NM_133378.4); c.34265-584C>A (NM_001256850.1); short protein forms P12174T.
Identifiers: ClinVar variation 535471 (VCV000535471.25), dbSNP rs762482452, ClinGen allele CA1997432.
Genomic context (GRCh38, chr2:178,663,639, plus strand): 5'-AGAGCAGAAGAGATACATCATCTGAAGCCTAAAATCAGTGACAAATACCTTTAACAGGTG[G>T]GACTTCAGGCTCTTTAGGAGGAGCCACTGGCGCTTTCTTTTCAGGAACTACTTCTTTGGG-3'
Protein context (NP_001254479.2, residues 12164-12184): PVAPPKEPEV[Pro12174Thr]PVKVPEAPKE